The following is an entry in ClinVar:

ClinVar aggregate classification (germline): Benign/Likely benign. Review status: criteria provided, multiple submitters, no conflicts (2 of 4 stars). 3 submissions from 3 submitters: Benign (1); Likely benign (1). 1 of the submissions does not count toward it. Last evaluated 2026-04-01.

Conditions:
BRPF1-related disorder. Also called: BRPF1-related condition.

Allele frequency attached by ClinVar (database versions not stated): gnomAD exomes 0.00017 and 0.00044; ExAC 0.00055; 1000 Genomes Project 30x 0.00094; 1000 Genomes Project 0.00100; gnomAD 0.00182 and 0.00202; TOPMed 0.00211; ESP Exome Variant Server 0.00231.
gnomAD v4.1: 551 of 1,613,964 alleles (0.034%); highest among the groups gnomAD compares: African/African-American, 0.64%; 5 homozygotes.

Submissions (3):

CeGaT Center for Human Genetics Tuebingen
Classification: Likely benign. Last evaluated: 2026-04-01. Review status: criteria provided, single submitter. Criteria: CeGaT Center For Human Genetics Tuebingen Variant Classification Criteria Version 2. Collection method: clinical testing. Allele origin: germline. Affected: yes. Observed: 1 variant allele.
Comment: BRPF1: BP4, BP7, BS1

Labcorp Genetics (formerly Invitae), Labcorp
Classification: Benign. Last evaluated: 2018-08-16. Review status: criteria provided, single submitter. Criteria: Invitae Variant Classification Sherloc (09022015). Collection method: clinical testing. Allele origin: germline.

PreventionGenetics, part of Exact Sciences
Classification: Benign for BRPF1-related condition. Last evaluated: 2019-03-05. Review status: no assertion criteria provided. Collection method: clinical testing. Allele origin: germline. Not counted in ClinVar's aggregate classification.
Comment: This variant is classified as benign based on ACMG/AMP sequence variant interpretation guidelines (Richards et al. 2015 PMID: 25741868, with internal and published modifications).

NM_001003694.2(BRPF1):c.195G>A (p.Gly65=)

Gene: BRPF1 (bromodomain and PHD finger containing 1; plus strand). Cytogenetic location: 3p25.3.
Variant type: single nucleotide variant.
Coding change: c.195G>A on transcript NM_001003694.2 (MANE Select); coding-DNA position 195, G replaced by A.
Protein change: p.Gly65=; no amino-acid change (glycine 65 retained).
Molecular consequence: synonymous variant. On other transcripts: non-coding transcript variant (1).
Genome position (GRCh38, 1-based): chr3:9,734,335, G>A. VCF-style: chr3-9734335-G-A. GRCh37 (hg19) VCF-style: chr3-9776019-G-A.
Other names: c.195G>A, p.Gly65= (NM_001319049.2, NM_001319050.2, NM_004634.3).
Identifiers: ClinVar variation 715567 (VCV000715567.7), dbSNP rs112873311, ClinGen allele CA2241656.